The following is an entry in ClinVar:

ClinVar aggregate classification (germline): Conflicting classifications of pathogenicity. Review status: criteria provided, conflicting classifications (1 of 4 stars). 2 submissions from 2 submitters: Likely pathogenic (1); Uncertain significance (1). Last evaluated 2022-11-29.

Conditions:
DNAAF3-related disorders.
Primary ciliary dyskinesia. Also called: Ciliary dyskinesia. Identifiers: Orphanet 244, MedGen C0008780, MONDO:0016575, HP:0012265.

Allele frequency attached by ClinVar (database versions not stated): gnomAD 0.00008 and 0.00007; TOPMed 0.00016; gnomAD exomes below 0.00001.

Submissions (2):

Labcorp Genetics (formerly Invitae), Labcorp
Classification: Uncertain significance for Primary ciliary dyskinesia. Last evaluated: 2022-11-29. Review status: criteria provided, single submitter. Criteria: Invitae Variant Classification Sherloc (09022015). Collection method: clinical testing. Allele origin: germline.
Comment: In summary, the available evidence is currently insufficient to determine the role of this variant in disease. Therefore, it has been classified as a Variant of Uncertain Significance. Advanced modeling of protein sequence and biophysical properties (such as structural, functional, and spatial information, amino acid conservation, physicochemical variation, residue mobility, and thermodynamic stability) performed at Invitae indicates that this missense variant is not expected to disrupt DNAAF3 protein function. ClinVar contains an entry for this variant (Variation ID: 1057628). This missense change has been observed in individual(s) with primary ciliary dyskinesia (Invitae). In at least one individual the data is consistent with being in trans (on the opposite chromosome) from a pathogenic variant. This variant is present in population databases (rs747667670, gnomAD 0.01%). This sequence change replaces leucine, which is neutral and non-polar, with proline, which is neutral and non-polar, at codon 208 of the DNAAF3 protein (p.Leu208Pro).

Blueprint Genetics
Classification: Likely pathogenic for DNAAF3-related disorders. Last evaluated: 2018-07-02. Review status: criteria provided, single submitter. Criteria: ACMG Guidelines, 2015. Collection method: clinical testing. Allele origin: germline. Affected: yes. Observed: 2 variant alleles.

NM_001256715.2(DNAAF3):c.419T>C (p.Leu140Pro)

Genes: DNAAF3 (dynein axonemal assembly factor 3; minus strand), DNAAF3-AS1 (DNAAF3 antisense RNA 1; plus strand). Cytogenetic location: 19q13.42.
Variant type: single nucleotide variant.
Coding change: c.419T>C on transcript NM_001256715.2 (MANE Select); coding-DNA position 419, T replaced by C.
Protein change: p.Leu140Pro; replaces leucine 140 with proline.
Molecular consequence: missense variant.
Genome position (GRCh38, 1-based): chr19:55,162,194, A>G on the plus strand (T>C on the coding strand, the complement: DNAAF3 is on the minus strand). VCF-style: chr19-55162194-A-G. GRCh37 (hg19) VCF-style: chr19-55673562-A-G.
Other names: c.623T>C, p.Leu208Pro (NM_001256714.1); c.257T>C, p.Leu86Pro (NM_001256716.2); c.560T>C, p.Leu187Pro (NM_178837.4); short protein forms L140P, L187P, L208P, L86P.
Identifiers: ClinVar variation 1057628 (VCV001057628.6), dbSNP rs747667670, ClinGen allele CA9668151.